The following is an entry in ClinVar:

ClinVar aggregate classification (germline): Uncertain significance (1 of 4 stars; one submission).

gnomAD v4.1: 4 of 1,612,584 alleles (0.00025%); highest among the groups gnomAD compares: Non-Finnish European, 0.00034%; no homozygotes.

Submission:

Labcorp Genetics (formerly Invitae), Labcorp
Classification: Uncertain significance. Last evaluated: 2022-02-10. Review status: criteria provided, single submitter. Criteria: Invitae Variant Classification Sherloc (09022015). Collection method: clinical testing. Allele origin: germline.
Comment: In summary, the available evidence is currently insufficient to determine the role of this variant in disease. Therefore, it has been classified as a Variant of Uncertain Significance. Algorithms developed to predict the effect of missense changes on protein structure and function output the following: SIFT: "Not Available"; PolyPhen-2: "Benign"; Align-GVGD: "Not Available". The serine amino acid residue is found in multiple mammalian species, which suggests that this missense change does not adversely affect protein function. This variant has not been reported in the literature in individuals affected with UNC45A-related conditions. This variant is present in population databases (rs144297073, gnomAD 0.002%). This sequence change replaces alanine, which is neutral and non-polar, with serine, which is neutral and polar, at codon 362 of the UNC45A protein (p.Ala362Ser).

NM_018671.5(UNC45A):c.1084G>T (p.Ala362Ser)

Gene: UNC45A (unc-45 myosin chaperone A; plus strand). Cytogenetic location: 15q26.1.
Variant type: single nucleotide variant.
Coding change: c.1084G>T on transcript NM_018671.5 (MANE Select); coding-DNA position 1084, G replaced by T.
Protein change: p.Ala362Ser; replaces alanine 362 with serine.
Molecular consequence: missense variant.
Genome position (GRCh38, 1-based): chr15:90,944,948, G>T. VCF-style: chr15-90944948-G-T. GRCh37 (hg19) VCF-style: chr15-91488178-G-T.
Other names: c.1039G>T, p.Ala347Ser (NM_001039675.2, NM_001323621.2); c.1084G>T, p.Ala362Ser (NM_001323619.1); c.649G>T, p.Ala217Ser (NM_001323620.2); short protein forms A347S, A362S, A217S.
Identifiers: ClinVar variation 1444543 (VCV001444543.8), dbSNP rs144297073, ClinGen allele CA7742778.